The following is an entry in ClinVar:

NM_001134363.3(RBM20):c.3574-19T>C

Gene: RBM20 (RNA binding motif protein 20; plus strand). Cytogenetic location: 10q25.2.
Variant type: single nucleotide variant.
Coding change: c.3574-19T>C on transcript NM_001134363.3 (MANE Select); 19 bases into the intron before coding-DNA position 3574, T replaced by C.
Molecular consequence: intron variant.
Genome position (GRCh38, 1-based): chr10:110,835,849, T>C. VCF-style: chr10-110835849-T-C. GRCh37 (hg19) VCF-style: chr10-112595607-T-C.
Other names: c.3574-19T>C (LRG_382t1).
Identifiers: ClinVar variation 387191 (VCV000387191.8), dbSNP rs1057522723, ClinGen allele CA16606626.
Genomic context (GRCh38, chr10:110,835,849, plus strand): 5'-AGGCATGTCCGCTCCTCTCCTCTCCATCTAGGTCCCTACTAACATGCCCCTTCCTCCACT[T>C]CCCCTCTTCTTTCCACAGAAATATTTGTCCCAGCTGGCCGAGGAGGGCCTCAAGGAGACC-3'

ClinVar aggregate classification (germline): Likely benign. Review status: criteria provided, multiple submitters, no conflicts (2 of 4 stars). 2 submissions from 2 submitters: Likely benign (2). Last evaluated 2022-05-10.

Conditions:
Dilated cardiomyopathy 1DD (CMD1DD). Identifiers: Orphanet 154, MedGen C2750995, MONDO:0013168, OMIM 613172.

Allele frequency attached by ClinVar (database versions not stated): gnomAD exomes below 0.00001 and 0.00001; gnomAD 0.00001.
gnomAD v4.1: 3 of 1,550,086 alleles (0.00019%); highest among the groups gnomAD compares: African/African-American, 0.0041%; no homozygotes.

Submissions (2):

Labcorp Genetics (formerly Invitae), Labcorp
Classification: Likely benign for Dilated cardiomyopathy 1DD. Last evaluated: 2022-05-10. Review status: criteria provided, single submitter. Criteria: Invitae Variant Classification Sherloc (09022015). Collection method: clinical testing. Allele origin: germline.

GeneDx
Classification: Likely benign. Last evaluated: 2016-06-23. Review status: criteria provided, single submitter. Criteria: GeneDx Variant Classification (06012015). Collection method: clinical testing. Allele origin: germline. Affected: yes.
Comment: This variant is considered likely benign or benign based on one or more of the following criteria: it is a conservative change, it occurs at a poorly conserved position in the protein, it is predicted to be benign by multiple in silico algorithms, and/or has population frequency not consistent with disease.